The following is an entry in ClinVar:

NM_001244008.2(KIF1A):c.4217G>A (p.Arg1406His)

Gene: KIF1A (kinesin family member 1A; minus strand). Cytogenetic location: 2q37.3.
Variant type: single nucleotide variant.
Coding change: c.4217G>A on transcript NM_001244008.2 (MANE Select); coding-DNA position 4217, G replaced by A.
Protein change: p.Arg1406His; replaces arginine 1406 with histidine.
Molecular consequence: missense variant.
Genome position (GRCh38, 1-based): chr2:240,725,310, C>T on the plus strand (G>A on the coding strand, the complement: KIF1A is on the minus strand). VCF-style: chr2-240725310-C-T. GRCh37 (hg19) VCF-style: chr2-241664727-C-T.
Other names: c.3941G>A, p.Arg1314His (NM_001320705.2, NM_001379649.1); c.3968G>A, p.Arg1323His (NM_001330289.2); c.4016G>A, p.Arg1339His (NM_001330290.2, NM_001379648.1); c.4292G>A, p.Arg1431His (NM_001379631.1); c.4193G>A, p.Arg1398His (NM_001379632.1); c.4190G>A, p.Arg1397His (NM_001379633.1, NM_001379645.1); c.4043G>A, p.Arg1348His (NM_001379634.1); c.4040G>A, p.Arg1347His (NM_001379635.1, NM_001379646.1); and 8 more; short protein forms R1305H, R1406H, R1339H, R1314H, R1323H, R1304H, R1313H, R1322H.
Identifiers: ClinVar variation 435633 (VCV000435633.17), dbSNP rs755301795, ClinGen allele CA2207461.

ClinVar aggregate classification (germline): Conflicting classifications of pathogenicity. Review status: criteria provided, conflicting classifications (1 of 4 stars). 6 submissions from 6 submitters: Uncertain significance (4); Likely benign (1). 1 of the submissions does not count toward it. Last evaluated 2025-04-20.

Conditions:
KIF1A-related disorder. Also called: KIF1A-related disorders; KIF1A-related condition.
Inborn genetic diseases. Identifiers: MedGen C0950123, MeSH D030342.
Hereditary spastic paraplegia 30. Identifiers: Orphanet 101010, MedGen C5235139, MONDO:0012476.
Neuropathy, hereditary sensory, type 2C. Also called: Hereditary sensory and autonomic neuropathy type IIC; KIF1A-Related HSAN2 (HSAN2C). Identifiers: Orphanet 970, MedGen C3280168, MONDO:0013634, OMIM 614213.
Intellectual disability, autosomal dominant 9 (NESCAVS). Also called: KIF1A-Related Neurodevelopmental Disorder; NESCAV SYNDROME. Identifiers: Orphanet 662367, MedGen C5393830, MONDO:0013656, OMIM 614255.

Allele frequency attached by ClinVar (database versions not stated): gnomAD 0.00001; gnomAD exomes 0.00002 and 0.00005; TOPMed 0.00002; ExAC 0.00005.
gnomAD v4.1: 77 of 1,609,390 alleles (0.0048%); highest among the groups gnomAD compares: Non-Finnish European, 0.0062%; no homozygotes.

Submissions (6):

Labcorp Genetics (formerly Invitae), Labcorp
Classification: Likely benign for Hereditary spastic paraplegia 30; Neuropathy, hereditary sensory, type 2C; Intellectual disability, autosomal dominant 9. Last evaluated: 2025-04-20. Review status: criteria provided, single submitter. Criteria: Invitae Variant Classification Sherloc (09022015). Collection method: clinical testing. Allele origin: germline.

GeneDx
Classification: Uncertain significance. Last evaluated: 2024-10-04. Review status: criteria provided, single submitter. Criteria: GeneDx Variant Classification Process June 2021. Collection method: clinical testing. Allele origin: germline. Affected: yes.
Comment: In silico analysis supports that this missense variant has a deleterious effect on protein structure/function; Has not been previously published as pathogenic or benign to our knowledge

Ambry Genetics
Classification: Uncertain significance for Inborn genetic diseases. Last evaluated: 2019-05-16. Review status: criteria provided, single submitter. Criteria: Ambry Variant Classification Scheme 2023. Collection method: clinical testing. Allele origin: germline.
Comment: The p.R1305H variant (also known as c.3914G>A), located in coding exon 37 of the KIF1A gene, results from a G to A substitution at nucleotide position 3914. The arginine at codon 1305 is replaced by histidine, an amino acid with highly similar properties. This amino acid position is highly conserved in available vertebrate species. In addition, the in silico prediction for this alteration is inconclusive. Since supporting evidence is limited at this time, the clinical significance of this alteration remains unclear.

Baylor Genetics
Classification: Uncertain significance for Intellectual disability, autosomal dominant 9. Last evaluated: 2018-02-01. Review status: criteria provided, single submitter. Criteria: ACMG Guidelines, 2015. Collection method: clinical testing. Allele origin: maternal. Affected: yes.
Comment: This variant was determined to be of uncertain significance according to ACMG Guidelines, 2015 [PMID:25741868].

Genetic Services Laboratory, University of Chicago
Classification: Uncertain significance. Last evaluated: 2015-09-13. Review status: criteria provided, single submitter. Criteria: ACMG Guidelines, 2015. Collection method: clinical testing. Allele origin: germline. Affected: no.

PreventionGenetics, part of Exact Sciences
Classification: Uncertain significance for KIF1A-related condition. Last evaluated: 2024-09-17. Review status: no assertion criteria provided. Collection method: clinical testing. Allele origin: germline. Not counted in ClinVar's aggregate classification.
Comment: The KIF1A c.4217G>A variant is predicted to result in the amino acid substitution p.Arg1406His. To our knowledge, this variant has not been reported in the literature. This variant is reported in 0.0037% of alleles in individuals of European (non-Finnish) descent in gnomAD. At this time, the clinical significance of this variant is uncertain due to the absence of conclusive functional and genetic evidence.